The following is an entry in ClinVar:

NM_144997.7(FLCN):c.205G>T (p.Val69Phe)

Gene: FLCN (folliculin; minus strand). Cytogenetic location: 17p11.2.
Variant type: single nucleotide variant.
Coding change: c.205G>T on transcript NM_144997.7 (MANE Select); coding-DNA position 205, G replaced by T.
Protein change: p.Val69Phe; replaces valine 69 with phenylalanine.
Molecular consequence: missense variant.
Genome position (GRCh38, 1-based): chr17:17,227,933, C>A on the plus strand (G>T on the coding strand, the complement: FLCN is on the minus strand). VCF-style: chr17-17227933-C-A. GRCh37 (hg19) VCF-style: chr17-17131247-C-A.
Other names: c.205G>T, p.Val69Phe (NM_001353229.2, NM_001353230.2, NM_001353231.2 and 1 more transcripts); short protein forms V69F.
Identifiers: ClinVar variation 1000780 (VCV001000780.5), dbSNP rs567617762, ClinGen allele CA398535106.

ClinVar aggregate classification (germline): Uncertain significance (1 of 4 stars; one submission).

Conditions:
Birt-Hogg-Dube syndrome. Also called: Birt Hogg Dubé syndrome. Identifiers: Orphanet 122, MedGen C0346010, MONDO:0800444.

Submission:

Labcorp Genetics (formerly Invitae), Labcorp
Classification: Uncertain significance for Birt-Hogg-Dube syndrome. Last evaluated: 2024-08-28. Review status: criteria provided, single submitter. Criteria: Invitae Variant Classification Sherloc (09022015). Collection method: clinical testing. Allele origin: germline.
Comment: This sequence change replaces valine, which is neutral and non-polar, with phenylalanine, which is neutral and non-polar, at codon 69 of the FLCN protein (p.Val69Phe). This variant is not present in population databases (gnomAD no frequency). This variant has not been reported in the literature in individuals affected with FLCN-related conditions. ClinVar contains an entry for this variant (Variation ID: 1000780). Invitae Evidence Modeling of protein sequence and biophysical properties (such as structural, functional, and spatial information, amino acid conservation, physicochemical variation, residue mobility, and thermodynamic stability) indicates that this missense variant is not expected to disrupt FLCN protein function with a negative predictive value of 80%. In summary, the available evidence is currently insufficient to determine the role of this variant in disease. Therefore, it has been classified as a Variant of Uncertain Significance.